The following is an entry in ClinVar:

NM_000321.3(RB1):c.1332G>A (p.Gln444=)

Gene: RB1 (RB transcriptional corepressor 1; plus strand). Cytogenetic location: 13q14.2.
Variant type: single nucleotide variant.
Coding change: c.1332G>A on transcript NM_000321.3 (MANE Select); coding-DNA position 1332, G replaced by A.
Protein change: p.Gln444=; no amino-acid change (glutamine 444 retained).
Molecular consequence: synonymous variant.
Genome position (GRCh38, 1-based): chr13:48,377,034, G>A. VCF-style: chr13-48377034-G-A. GRCh37 (hg19) VCF-style: chr13-48951170-G-A.
Other names: c.1332G>A (NM_000321.2).
Identifiers: ClinVar variation 1071425 (VCV001071425.10), dbSNP rs1555286250, ClinGen allele CA483559134.

ClinVar aggregate classification (germline): Pathogenic. Review status: criteria provided, multiple submitters, no conflicts (2 of 4 stars). 3 submissions from 3 submitters: Pathogenic (3). Last evaluated 2024-05-20.

Conditions:
Retinoblastoma (RB1). Also called: RETINOBLASTOMA, SOMATIC. Identifiers: Orphanet 790, MedGen C0035335, MeSH D012175, MONDO:0008380, OMIM 180200, HP:0009919. Disease mechanism: loss of function. Inheritance: Both sporadic and heritable forms are tested..

Submissions (4):

Genetic Diagnostic Laboratory, University of Pennsylvania School of Medicine
Classification: Pathogenic for Retinoblastoma. Last evaluated: 2024-05-20. Review status: criteria provided, single submitter. Criteria: ACMG Guidelines, 2015. Collection method: clinical testing. Allele origin: germline. Affected: yes. Observed: 3 variant alleles.
Comment: Case and Pedigree Information: BILATERAL CASES:2, UNILATERAL CASES:1, TOTAL CASES:3, PEDIGREES:3. ACMG Codes Applied:PVS1, PM2, PS4SUP

GeneDx
Classification: Pathogenic. Last evaluated: 2024-04-26. Review status: criteria provided, single submitter. Criteria: GeneDx Variant Classification Process June 2021. Collection method: clinical testing. Allele origin: germline. Affected: yes.
Comment: Alters the last nucleotide of the exon and published functional studies demonstrate aberrant transcription with an in-frame loss of exon 13 (PMID: 10882758); Not observed at significant frequency in large population cohorts (gnomAD); This variant is associated with the following publications: (PMID: 10882758, 37682130)

Labcorp Genetics (formerly Invitae), Labcorp
Classification: Pathogenic for Retinoblastoma. Last evaluated: 2020-06-01. Review status: criteria provided, single submitter. Criteria: Invitae Variant Classification Sherloc (09022015). Collection method: clinical testing. Allele origin: germline.
Comment: This variant disrupts the c.1332 nucleotide in the RB1 gene. Other variant(s) that disrupt this nucleotide have been determined to be pathogenic (PMID: 18181215, 21520333). This suggests that this nucleotide is clinically-significant, and that variants that disrupt this position are likely to be disease-causing. Nucleotide substitutions within the consensus splice site are a relatively common cause of aberrant splicing (PMID: 17576681, 9536098). Experimental studies have shown that this variant disrupts mRNA splicing (PMID: 10882758). This variant has been observed in individual(s) with retinoblastoma (PMID: 10882758, Invitae). This variant is not present in population databases (ExAC no frequency). This sequence change affects codon 444 of the RB1 mRNA. It is a 'silent' change, meaning that it does not change the encoded amino acid sequence of the RB1 protein. This variant also falls at the last nucleotide of exon 13 of the RB1 coding sequence, which is part of the consensus splice site for this exon. For these reasons, this variant has been classified as Pathogenic.

Dr. Peter K. Rogan Lab, Western University
No classification provided (evidence only). Condition: Hepatocellular carcinoma. Review status: no classification provided. Collection method: in vitro. Allele origin: not applicable. Functional consequence: skipped exon. Not counted in ClinVar's aggregate classification.

Literature cited by the submitters: PubMed 18181215 (cited by Labcorp Genetics (formerly Invitae), Labcorp); PubMed 21520333 (cited by Labcorp Genetics (formerly Invitae), Labcorp); PubMed 17576681 (cited by Labcorp Genetics (formerly Invitae), Labcorp); PubMed 9536098 (cited by Labcorp Genetics (formerly Invitae), Labcorp); PubMed 10882758 (cited by Labcorp Genetics (formerly Invitae), Labcorp).